The following is an entry in ClinVar:

NM_176869.3(PPA2):c.796G>C (p.Glu266Gln)

Gene: PPA2 (inorganic pyrophosphatase 2; minus strand). Cytogenetic location: 4q24.
Variant type: single nucleotide variant.
Coding change: c.796G>C on transcript NM_176869.3 (MANE Select); coding-DNA position 796, G replaced by C.
Protein change: p.Glu266Gln; replaces glutamic acid 266 with glutamine.
Molecular consequence: missense variant.
Genome position (GRCh38, 1-based): chr4:105,396,322, C>G on the plus strand (G>C on the coding strand, the complement: PPA2 is on the minus strand). VCF-style: chr4-105396322-C-G. GRCh37 (hg19) VCF-style: chr4-106317479-C-G.
Other names: c.709G>C, p.Glu237Gln (NM_006903.4); c.490G>C, p.Glu164Gln (NM_176866.2); c.298G>C, p.Glu100Gln (NM_176867.3); short protein forms E164Q, E237Q, E266Q, E100Q.
Identifiers: ClinVar variation 1478814 (VCV001478814.6), dbSNP rs2110390885, ClinGen allele CA357789203.

ClinVar aggregate classification (germline): Uncertain significance (1 of 4 stars; one submission).

Submission:

Labcorp Genetics (formerly Invitae), Labcorp
Classification: Uncertain significance. Last evaluated: 2021-09-08. Review status: criteria provided, single submitter. Criteria: Invitae Variant Classification Sherloc (09022015). Collection method: clinical testing. Allele origin: germline.
Comment: In summary, the available evidence is currently insufficient to determine the role of this variant in disease. Therefore, it has been classified as a Variant of Uncertain Significance. Algorithms developed to predict the effect of missense changes on protein structure and function are either unavailable or do not agree on the potential impact of this missense change (SIFT: "Tolerated"; PolyPhen-2: "Possibly Damaging"; Align-GVGD: "Class C0"). This variant has not been reported in the literature in individuals affected with PPA2-related conditions. This variant is not present in population databases (ExAC no frequency). This sequence change replaces glutamic acid with glutamine at codon 266 of the PPA2 protein (p.Glu266Gln). The glutamic acid residue is moderately conserved and there is a small physicochemical difference between glutamic acid and glutamine.